The following is an entry in ClinVar:

ClinVar aggregate classification (germline): Uncertain significance. Review status: criteria provided, multiple submitters, no conflicts (2 of 4 stars). 2 submissions from 2 submitters: Uncertain significance (2). Last evaluated 2026-01-13.

Conditions:
Kleefstra syndrome 1 (KLEFS1). Identifiers: Orphanet 261494, MedGen C0795833, MONDO:0027407, OMIM 610253.

Allele frequency attached by ClinVar (database versions not stated): TOPMed 0.00001.
gnomAD v4.1: 1 of 1,613,900 alleles (0.000062%); highest among the groups gnomAD compares: Admixed American, 0.0017%; no homozygotes.

Submissions (2):

Labcorp Genetics (formerly Invitae), Labcorp
Classification: Uncertain significance for Kleefstra syndrome 1. Last evaluated: 2026-01-13. Review status: criteria provided, single submitter. Criteria: Invitae Variant Classification Sherloc (09022015). Collection method: clinical testing. Allele origin: germline.
Comment: This sequence change replaces aspartic acid, which is acidic and polar, with valine, which is neutral and non-polar, at codon 349 of the EHMT1 protein (p.Asp349Val). This variant is present in population databases (no rsID available, gnomAD 0.003%). This variant has not been reported in the literature in individuals affected with EHMT1-related conditions. ClinVar contains an entry for this variant (Variation ID: 2504864). An algorithm developed to predict the effect of missense changes on protein structure and function (PolyPhen-2) suggests that this variant is likely to be tolerated. In summary, the available evidence is currently insufficient to determine the role of this variant in disease. Therefore, it has been classified as a Variant of Uncertain Significance.

GeneDx
Classification: Uncertain significance. Last evaluated: 2022-12-09. Review status: criteria provided, single submitter. Criteria: GeneDx Variant Classification Process June 2021. Collection method: clinical testing. Allele origin: germline. Affected: yes.
Comment: Not observed at significant frequency in large population cohorts (gnomAD); In silico analysis supports that this missense variant does not alter protein structure/function; Has not been previously published as pathogenic or benign to our knowledge

NM_024757.5(EHMT1):c.1046A>T (p.Asp349Val)

Gene: EHMT1 (euchromatic histone lysine methyltransferase 1; plus strand). Cytogenetic location: 9q34.3.
Variant type: single nucleotide variant.
Coding change: c.1046A>T on transcript NM_024757.5 (MANE Select); coding-DNA position 1046, A replaced by T.
Protein change: p.Asp349Val; replaces aspartic acid 349 with valine.
Molecular consequence: missense variant.
Genome position (GRCh38, 1-based): chr9:137,743,966, A>T. VCF-style: chr9-137743966-A-T. GRCh37 (hg19) VCF-style: chr9-140638418-A-T.
Other names: c.1046A>T, p.Asp349Val (NM_001145527.2, NM_001354611.2); c.953A>T, p.Asp318Val (NM_001354259.2, NM_001354612.2); c.1025A>T, p.Asp342Val (NM_001354263.2); short protein forms D318V, D342V, D349V.
Identifiers: ClinVar variation 2504864 (VCV002504864.2), dbSNP rs1413399062, ClinGen allele CA375779236.